The following is an entry in ClinVar:

ClinVar aggregate classification (germline): Uncertain significance (1 of 4 stars; one submission).

Conditions:
Juvenile polyposis syndrome (JPS). Identifiers: Orphanet 2929, MedGen C0345893, MONDO:0017380, OMIM 174900.

Submission:

Labcorp Genetics (formerly Invitae), Labcorp
Classification: Uncertain significance for Juvenile polyposis syndrome. Last evaluated: 2024-09-22. Review status: criteria provided, single submitter. Criteria: Invitae Variant Classification Sherloc (09022015). Collection method: clinical testing. Allele origin: germline.
Comment: This sequence change affects the initiator methionine of the SMAD4 mRNA. The next in-frame methionine is located at codon 4. This variant is not present in population databases (gnomAD no frequency). This variant has not been reported in the literature in individuals affected with SMAD4-related conditions. ClinVar contains an entry for this variant (Variation ID: 936235). Experimental studies and prediction algorithms are not available or were not evaluated, and the functional significance of this variant is currently unknown. In summary, the available evidence is currently insufficient to determine the role of this variant in disease. Therefore, it has been classified as a Variant of Uncertain Significance.

NM_005359.6(SMAD4):c.3G>A (p.Met1Ile)

Gene: SMAD4 (SMAD family member 4; plus strand). Cytogenetic location: 18q21.2.
Variant type: single nucleotide variant.
Coding change: c.3G>A on transcript NM_005359.6 (MANE Select); coding-DNA position 3, G replaced by A.
Protein change: p.Met1Ile; changes the start codon (methionine 1).
Molecular consequence: missense variant, initiator codon variant.
Genome position (GRCh38, 1-based): chr18:51,047,049, G>A. VCF-style: chr18-51047049-G-A. GRCh37 (hg19) VCF-style: chr18-48573419-G-A.
Other names: short protein forms M1I.
Identifiers: ClinVar variation 936235 (VCV000936235.10), dbSNP rs973470216, ClinGen allele CA300080946.